The following is an entry in ClinVar:

NM_001378418.1(TCF20):c.5588A>G (p.Asn1863Ser)

Gene: TCF20 (transcription factor 20; minus strand). Cytogenetic location: 22q13.2.
Variant type: single nucleotide variant.
Coding change: c.5588A>G on transcript NM_001378418.1 (MANE Select); coding-DNA position 5588, A replaced by G.
Protein change: p.Asn1863Ser; replaces asparagine 1863 with serine.
Molecular consequence: missense variant.
Genome position (GRCh38, 1-based): chr22:42,209,718, T>C on the plus strand (A>G on the coding strand, the complement: TCF20 is on the minus strand). VCF-style: chr22-42209718-T-C. GRCh37 (hg19) VCF-style: chr22-42605724-T-C.
Other names: c.5588A>G, p.Asn1863Ser (NM_005650.4, NM_181492.3); c.5588A>G (NM_005650.1); short protein forms N1863S.
Identifiers: ClinVar variation 2919381 (VCV002919381.4), dbSNP rs141476635, ClinGen allele CA10266446.
Genomic context (GRCh38, chr22:42,209,718, plus strand): 5'-CTGGCTATTTCCAGCGCTTCCTGCAGGCCATAGAGCCTGCCACAAACCAGGTAGATTCCA[T>C]TGGCCCAGAGAATACAACCCTCATGGACCCAAAATTCATTGCTGTCAAGAGGTAGTTCAG-3'
Protein context (NP_001365347.1, residues 1853-1873): WVHEGCILWA[Asn1863Ser]GIYLVCGRLY

ClinVar aggregate classification (germline): Conflicting classifications of pathogenicity. Review status: criteria provided, conflicting classifications (1 of 4 stars). 2 submissions from 2 submitters: Uncertain significance (1); Likely benign (1). Last evaluated 2025-11-27.

Conditions:
Inborn genetic diseases. Identifiers: MedGen C0950123, MeSH D030342.

Allele frequency attached by ClinVar (database versions not stated): TOPMed 0.00003; ExAC 0.00004; gnomAD 0.00004; 1000 Genomes Project 30x 0.00031; 1000 Genomes Project 0.00040; gnomAD exomes 0.00007; ESP Exome Variant Server 0.00008.
gnomAD v4.1: 105 of 1,614,220 alleles (0.0065%); highest among the groups gnomAD compares: Middle Eastern, 0.033%; no homozygotes.

Submissions (2):

Labcorp Genetics (formerly Invitae), Labcorp
Classification: Uncertain significance. Last evaluated: 2025-11-27. Review status: criteria provided, single submitter. Criteria: Invitae Variant Classification Sherloc (09022015). Collection method: clinical testing. Allele origin: germline.
Comment: This sequence change replaces asparagine, which is neutral and polar, with serine, which is neutral and polar, at codon 1863 of the TCF20 protein (p.Asn1863Ser). This variant is present in population databases (rs141476635, gnomAD 0.01%). This variant has not been reported in the literature in individuals affected with TCF20-related conditions. ClinVar contains an entry for this variant (Variation ID: 2919381). An algorithm developed to predict the effect of missense changes on protein structure and function (PolyPhen-2) suggests that this variant is likely to be disruptive. In summary, the available evidence is currently insufficient to determine the role of this variant in disease. Therefore, it has been classified as a Variant of Uncertain Significance.

Ambry Genetics
Classification: Likely benign for Inborn genetic diseases. Last evaluated: 2025-08-28. Review status: criteria provided, single submitter. Criteria: Ambry Variant Classification Scheme 2023. Collection method: clinical testing. Allele origin: germline.